The following is an entry in ClinVar:

NM_001378457.1(DMXL2):c.5854T>A (p.Trp1952Arg)

Gene: DMXL2 (Dmx like 2; minus strand). Cytogenetic location: 15q21.2.
Variant type: single nucleotide variant.
Coding change: c.5854T>A on transcript NM_001378457.1 (MANE Select); coding-DNA position 5854, T replaced by A.
Protein change: p.Trp1952Arg; replaces tryptophan 1952 with arginine.
Molecular consequence: missense variant. On other transcripts: non-coding transcript variant (2).
Genome position (GRCh38, 1-based): chr15:51,481,252, A>T on the plus strand (T>A on the coding strand, the complement: DMXL2 is on the minus strand). VCF-style: chr15-51481252-A-T. GRCh37 (hg19) VCF-style: chr15-51773449-A-T.
Other names: c.5854T>A, p.Trp1952Arg (NM_001174116.3, NM_001378458.1, NM_001378459.1 and 4 more transcripts); c.3946T>A, p.Trp1316Arg (NM_001174117.3); c.3835T>A, p.Trp1279Arg (NM_001378460.1); c.5614T>A, p.Trp1872Arg (NM_001378464.1); c.5854T>A (NM_001174116.1); short protein forms W1872R, W1952R, W1279R, W1316R.
Identifiers: ClinVar variation 2893987 (VCV002893987.3), dbSNP rs2041987366, ClinGen allele CA392444931.

ClinVar aggregate classification (germline): Uncertain significance. Review status: criteria provided, multiple submitters, no conflicts (2 of 4 stars). 2 submissions from 2 submitters: Uncertain significance (2). Last evaluated 2024-11-23.

Conditions:
Inborn genetic diseases. Identifiers: MedGen C0950123, MeSH D030342.

Allele frequency attached by ClinVar (database versions not stated): gnomAD exomes below 0.00001; gnomAD 0.00001; TOPMed 0.00001.
gnomAD v4.1: 4 of 1,613,740 alleles (0.00025%); highest among the groups gnomAD compares: African/African-American, 0.0013%; no homozygotes.

Submissions (2):

Ambry Genetics
Classification: Uncertain significance for Inborn genetic diseases. Last evaluated: 2024-11-23. Review status: criteria provided, single submitter. Criteria: Ambry Variant Classification Scheme 2023. Collection method: clinical testing. Allele origin: germline.

Labcorp Genetics (formerly Invitae), Labcorp
Classification: Uncertain significance. Last evaluated: 2023-05-05. Review status: criteria provided, single submitter. Criteria: Invitae Variant Classification Sherloc (09022015). Collection method: clinical testing. Allele origin: germline.
Comment: In summary, the available evidence is currently insufficient to determine the role of this variant in disease. Therefore, it has been classified as a Variant of Uncertain Significance. An algorithm developed to predict the effect of missense changes on protein structure and function (PolyPhen-2) suggests that this variant is likely to be disruptive. This variant has not been reported in the literature in individuals affected with DMXL2-related conditions. This variant is not present in population databases (gnomAD no frequency). This sequence change replaces tryptophan, which is neutral and slightly polar, with arginine, which is basic and polar, at codon 1952 of the DMXL2 protein (p.Trp1952Arg).